The following is an entry in ClinVar:

NM_001377303.1(L3MBTL1):c.343C>T (p.Pro115Ser)

Gene: L3MBTL1 (L3MBTL histone methyl-lysine binding protein 1; plus strand). Cytogenetic location: 20q13.12.
Variant type: single nucleotide variant.
Coding change: c.343C>T on transcript NM_001377303.1 (MANE Select); coding-DNA position 343, C replaced by T.
Protein change: p.Pro115Ser; replaces proline 115 with serine.
Molecular consequence: missense variant. On other transcripts: 5 prime UTR variant (1), non-coding transcript variant (1).
Genome position (GRCh38, 1-based): chr20:43,514,044, C>T. VCF-style: chr20-43514044-C-T. GRCh37 (hg19) VCF-style: chr20-42142684-C-T.
Other names: c.343C>T, p.Pro115Ser (NM_001377306.1); c.-48C>T (NM_001377311.1); c.277C>T, p.Pro93Ser (NM_032107.5); short protein forms P115S, P93S.
Identifiers: ClinVar variation 3032917 (VCV003032917.2), dbSNP rs576903477, ClinGen allele CA314579066.

ClinVar aggregate classification (germline): Likely benign (0 of 4 stars; one submission).

Conditions:
L3MBTL1-related disorder. Also called: L3MBTL1-related condition.

Allele frequency attached by ClinVar (database versions not stated): gnomAD exomes 0.00007; TOPMed 0.00014; 1000 Genomes Project 0.00060; 1000 Genomes Project 30x 0.00109.
gnomAD v4.1: 120 of 1,534,746 alleles (0.0078%); highest among the groups gnomAD compares: East Asian, 0.27%; no homozygotes.

Submission:

PreventionGenetics, part of Exact Sciences
Classification: Likely benign for L3MBTL1-related condition. Last evaluated: 2020-09-22. Review status: no assertion criteria provided. Collection method: clinical testing. Allele origin: germline.
Comment: This variant is classified as likely benign based on ACMG/AMP sequence variant interpretation guidelines (Richards et al. 2015 PMID: 25741868, with internal and published modifications).